The following is an entry in ClinVar:

NM_000049.4(ASPA):c.593T>C (p.Met198Thr)

Genes: ASPA (aspartoacylase; plus strand), SPATA22 (spermatogenesis associated 22; minus strand). Cytogenetic location: 17p13.2.
Variant type: single nucleotide variant.
Coding change: c.593T>C on transcript NM_000049.4 (MANE Select); coding-DNA position 593, T replaced by C.
Protein change: p.Met198Thr; replaces methionine 198 with threonine.
Molecular consequence: missense variant. On other transcripts: intron variant (2).
Genome position (GRCh38, 1-based): chr17:3,489,301, T>C. VCF-style: chr17-3489301-T-C. GRCh37 (hg19) VCF-style: chr17-3392595-T-C.
Other names: c.593T>C, p.Met198Thr (NM_001128085.1); c.-73-19903A>G (NM_001321336.2, NM_001321337.2); short protein forms M198T.
Identifiers: ClinVar variation 3712681 (VCV003712681.2).

ClinVar aggregate classification (germline): Uncertain significance (1 of 4 stars; one submission).

Conditions:
Spongy degeneration of central nervous system. Also called: ACY2 DEFICIENCY; AMINOACYLASE 2 DEFICIENCY; ASP DEFICIENCY; ASPA DEFICIENCY; ASPARTOACYLASE DEFICIENCY; CANAVAN-VAN BOGAERT-BERTRAND DISEASE. Identifiers: Orphanet 141, MedGen C0206307, MONDO:0010079, OMIM 271900.

gnomAD v4.1: 1 of 1,613,210 alleles (0.000062%); highest among the groups gnomAD compares: Non-Finnish European, 0.000085%; no homozygotes.

Submission:

Labcorp Genetics (formerly Invitae), Labcorp
Classification: Uncertain significance for Spongy degeneration of central nervous system. Last evaluated: 2025-09-03. Review status: criteria provided, single submitter. Criteria: Invitae Variant Classification Sherloc (09022015). Collection method: clinical testing. Allele origin: germline.
Comment: This sequence change replaces methionine, which is neutral and non-polar, with threonine, which is neutral and polar, at codon 198 of the ASPA protein (p.Met198Thr). This variant is not present in population databases (gnomAD no frequency). This variant has not been reported in the literature in individuals affected with ASPA-related conditions. ClinVar contains an entry for this variant (Variation ID: 3712681). Invitae Evidence Modeling of protein sequence and biophysical properties (such as structural, functional, and spatial information, amino acid conservation, physicochemical variation, residue mobility, and thermodynamic stability) indicates that this missense variant is not expected to disrupt ASPA protein function with a negative predictive value of 80%. In summary, the available evidence is currently insufficient to determine the role of this variant in disease. Therefore, it has been classified as a Variant of Uncertain Significance.